The following is an entry in ClinVar:

ClinVar aggregate classification (germline): Uncertain significance. Review status: criteria provided, multiple submitters, no conflicts (2 of 4 stars). 2 submissions from 2 submitters: Uncertain significance (2). Last evaluated 2023-12-19.

Allele frequency attached by ClinVar (database versions not stated): gnomAD exomes below 0.00001 and 0.00001; gnomAD 0.00001; TOPMed 0.00002; ESP Exome Variant Server 0.00008.
gnomAD v4.1: 12 of 1,613,950 alleles (0.00074%); highest among the groups gnomAD compares: African/African-American, 0.0013%; no homozygotes.

Submissions (2):

Ambry Genetics
Classification: Uncertain significance. Last evaluated: 2023-12-19. Review status: criteria provided, single submitter. Criteria: Ambry Variant Classification Scheme 2023. Collection method: clinical testing. Allele origin: germline.

Labcorp Genetics (formerly Invitae), Labcorp
Classification: Uncertain significance. Last evaluated: 2021-03-24. Review status: criteria provided, single submitter. Criteria: Invitae Variant Classification Sherloc (09022015). Collection method: clinical testing. Allele origin: germline.
Comment: This variant is not present in population databases (ExAC no frequency). In summary, the available evidence is currently insufficient to determine the role of this variant in disease. Therefore, it has been classified as a Variant of Uncertain Significance. Algorithms developed to predict the effect of missense changes on protein structure and function are either unavailable or do not agree on the potential impact of this missense change (SIFT: "Deleterious"; PolyPhen-2: "Possibly Damaging"; Align-GVGD: "Class C0"). This variant has not been reported in the literature in individuals with ARSG-related conditions. This sequence change replaces leucine with arginine at codon 425 of the ARSG protein (p.Leu425Arg). The leucine residue is moderately conserved and there is a moderate physicochemical difference between leucine and arginine.

NM_001267727.2(ARSG):c.1274T>G (p.Leu425Arg)

Gene: ARSG (arylsulfatase G; plus strand). Cytogenetic location: 17q24.2.
Variant type: single nucleotide variant.
Coding change: c.1274T>G on transcript NM_001267727.2 (MANE Select); coding-DNA position 1274, T replaced by G.
Protein change: p.Leu425Arg; replaces leucine 425 with arginine.
Molecular consequence: missense variant.
Genome position (GRCh38, 1-based): chr17:68,401,421, T>G. VCF-style: chr17-68401421-T-G. GRCh37 (hg19) VCF-style: chr17-66397562-T-G.
Other names: c.1274T>G, p.Leu425Arg (NM_001352899.2, NM_001352900.2, NM_001352901.2 and 3 more transcripts); c.1271T>G, p.Leu424Arg (NM_001352903.2, NM_001352904.2, NM_001352905.2 and 2 more transcripts); c.1226T>G, p.Leu409Arg (NM_001352909.2); c.1274T>G (NM_014960.3); short protein forms L424R, L425R, L409R.
Identifiers: ClinVar variation 1472951 (VCV001472951.9), dbSNP rs140303640, ClinGen allele CA293284856.